The following is an entry in ClinVar:

NM_016122.3(CEP83):c.257T>A (p.Leu86His)

Gene: CEP83 (centrosomal protein 83; minus strand). Cytogenetic location: 12q22.
Variant type: single nucleotide variant.
Coding change: c.257T>A on transcript NM_016122.3 (MANE Select); coding-DNA position 257, T replaced by A.
Protein change: p.Leu86His; replaces leucine 86 with histidine.
Molecular consequence: missense variant. On other transcripts: 5 prime UTR variant (6), non-coding transcript variant (3).
Genome position (GRCh38, 1-based): chr12:94,411,764, A>T on the plus strand (T>A on the coding strand, the complement: CEP83 is on the minus strand). VCF-style: chr12-94411764-A-T. GRCh37 (hg19) VCF-style: chr12-94805540-A-T.
Other names: c.257T>A, p.Leu86His (NM_001042399.2, NM_001346457.2, NM_001346460.2 and 4 more transcripts); c.-56T>A (NM_001346458.2, NM_001346459.2, NM_001346462.2 and 3 more transcripts); short protein forms L86H.
Identifiers: ClinVar variation 960794 (VCV000960794.11), dbSNP rs199598238, ClinGen allele CA6722000.

ClinVar aggregate classification (germline): Uncertain significance. Review status: criteria provided, multiple submitters, no conflicts (2 of 4 stars). 3 submissions from 3 submitters: Uncertain significance (3). Last evaluated 2025-04-21.

Conditions:
Inborn genetic diseases. Identifiers: MedGen C0950123, MeSH D030342.
Nephronophthisis 18 (NPHP18). Identifiers: Orphanet 655, MedGen C3890591, MONDO:0014374, OMIM 615862.

Allele frequency attached by ClinVar (database versions not stated): TOPMed 0.00011; gnomAD 0.00013; gnomAD exomes 0.00014 and 0.00029; 1000 Genomes Project 30x 0.00016; ExAC 0.00017; ESP Exome Variant Server 0.00017; 1000 Genomes Project 0.00020.
gnomAD v4.1: 435 of 1,611,952 alleles (0.027%); highest among the groups gnomAD compares: Non-Finnish European, 0.035%; no homozygotes.

Submissions (3):

Ambry Genetics
Classification: Uncertain significance for Inborn genetic diseases. Last evaluated: 2025-04-21. Review status: criteria provided, single submitter. Criteria: Ambry Variant Classification Scheme 2023. Collection method: clinical testing. Allele origin: germline.

Blueprint Genetics
Classification: Uncertain significance. Last evaluated: 2024-10-21. Review status: criteria provided, single submitter. Criteria: ACMG Guidelines, 2015. Collection method: clinical testing. Allele origin: germline.

Labcorp Genetics (formerly Invitae), Labcorp
Classification: Uncertain significance for Nephronophthisis 18. Last evaluated: 2023-12-11. Review status: criteria provided, single submitter. Criteria: Invitae Variant Classification Sherloc (09022015). Collection method: clinical testing. Allele origin: germline.
Comment: This sequence change replaces leucine, which is neutral and non-polar, with histidine, which is basic and polar, at codon 86 of the CEP83 protein (p.Leu86His). This variant is present in population databases (rs199598238, gnomAD 0.03%). This variant has not been reported in the literature in individuals affected with CEP83-related conditions. ClinVar contains an entry for this variant (Variation ID: 960794). Advanced modeling of protein sequence and biophysical properties (such as structural, functional, and spatial information, amino acid conservation, physicochemical variation, residue mobility, and thermodynamic stability) has been performed at Invitae for this missense variant, however the output from this modeling did not meet the statistical confidence thresholds required to predict the impact of this variant on CEP83 protein function. In summary, the available evidence is currently insufficient to determine the role of this variant in disease. Therefore, it has been classified as a Variant of Uncertain Significance.